The following is an entry in ClinVar:

NM_001558.4(IL10RA):c.*984C>A

Gene: IL10RA (interleukin 10 receptor subunit alpha; plus strand). Cytogenetic location: 11q23.3.
Variant type: single nucleotide variant.
Coding change: c.*984C>A on transcript NM_001558.4 (MANE Select); 984 bases downstream of the stop codon, C replaced by A.
Molecular consequence: 3 prime UTR variant. On other transcripts: non-coding transcript variant (1).
Genome position (GRCh38, 1-based): chr11:118,000,625, C>A. VCF-style: chr11-118000625-C-A. GRCh37 (hg19) VCF-style: chr11-117871340-C-A.
Identifiers: ClinVar variation 878821 (VCV000878821.4), dbSNP rs749570289, ClinGen allele CA6299299.

ClinVar aggregate classification (germline): Likely benign (1 of 4 stars; one submission).

Conditions:
Inflammatory bowel disease 28. Also called: Inflammatory bowel disease 28, early onset, autosomal recessive. Identifiers: Orphanet 238569, MedGen C2751053, MONDO:0013153, OMIM 613148.

Allele frequency attached by ClinVar (database versions not stated): TOPMed 0.00020; gnomAD 0.00022 and 0.00024; gnomAD exomes 0.00034 and 0.00058; ExAC 0.00137.
gnomAD v4.1: 135 of 454,152 alleles (0.03%); highest among the groups gnomAD compares: Non-Finnish European, 0.0075%; 2 homozygotes.

Submission:

Illumina Laboratory Services, Illumina
Classification: Likely benign for Inflammatory bowel disease 28. Last evaluated: 2018-01-12. Review status: criteria provided, single submitter. Criteria: ICSL Variant Classification Criteria 13 December 2019. Collection method: clinical testing. Allele origin: germline.
Comment: This variant was observed in the ICSL laboratory as part of a predisposition screen in an ostensibly healthy population. It had not been previously curated by ICSL or reported in the Human Gene Mutation Database (HGMD: prior to June 1st, 2018), and was therefore a candidate for classification through an automated scoring system. Utilizing variant allele frequency, disease prevalence and penetrance estimates, and inheritance mode, an automated score was calculated to assess if this variant is too frequent to cause the disease. Based on the score and internal cut-off values, a variant classified as likely benign is not then subjected to further curation. The score for this variant resulted in a classification of likely benign for this disease.